The following is an entry in ClinVar:

ClinVar aggregate classification (germline): Uncertain significance (1 of 4 stars; one submission).

Conditions:
Hereditary cancer-predisposing syndrome. Also called: Hereditary neoplastic syndrome; Neoplastic Syndromes, Hereditary; Tumor predisposition; Hereditary Cancer Syndrome. Identifiers: Orphanet 140162, MedGen C0027672, MeSH D009386, MONDO:0015356.

Submission:

Ambry Genetics
Classification: Uncertain significance for Hereditary cancer-predisposing syndrome. Last evaluated: 2025-08-03. Review status: criteria provided, single submitter. Criteria: Ambry Variant Classification Scheme 2023. Collection method: clinical testing. Allele origin: germline.
Comment: The p.D1422V variant (also known as c.4265A>T), located in coding exon 33 of the POLE gene, results from an A to T substitution at nucleotide position 4265. The aspartic acid at codon 1422 is replaced by valine, an amino acid with highly dissimilar properties. This amino acid position is conserved. In addition, the in silico prediction for this alteration is inconclusive. Based on the available evidence, the clinical significance of this variant remains unclear.

NM_006231.4(POLE):c.4265A>T (p.Asp1422Val)

Gene: POLE (DNA polymerase epsilon, catalytic subunit; minus strand). Cytogenetic location: 12q24.33.
Variant type: single nucleotide variant.
Coding change: c.4265A>T on transcript NM_006231.4 (MANE Select); coding-DNA position 4265, A replaced by T.
Protein change: p.Asp1422Val; replaces aspartic acid 1422 with valine.
Molecular consequence: missense variant.
Genome position (GRCh38, 1-based): chr12:132,643,862, T>A on the plus strand (A>T on the coding strand, the complement: POLE is on the minus strand). VCF-style: chr12-132643862-T-A. GRCh37 (hg19) VCF-style: chr12-133220448-T-A.
Other names: short protein forms D1422V.
Identifiers: ClinVar variation 4141191 (VCV004141191.1).